The following is an entry in ClinVar:

ClinVar aggregate classification (germline): Uncertain significance. Review status: criteria provided, single submitter (1 of 4 stars). 2 submissions from 2 submitters: Uncertain significance (1). 1 of the submissions does not count toward it. Last evaluated 2024-04-23.

Conditions:
EPO-related disorder. Also called: EPO-related condition.

Submissions (2):

Mayo Clinic Laboratories, Mayo Clinic
Classification: Uncertain significance. Last evaluated: 2024-04-23. Review status: criteria provided, single submitter. Criteria: ACMG Guidelines, 2015. Collection method: clinical testing. Allele origin: germline. Observed: 3 variant alleles.
Comment: BS1, BS2, BP4, BP7

PreventionGenetics, part of Exact Sciences
Classification: Likely benign for EPO-related condition. Last evaluated: 2019-07-01. Review status: no assertion criteria provided. Collection method: clinical testing. Allele origin: germline. Not counted in ClinVar's aggregate classification.
Comment: This variant is classified as likely benign based on ACMG/AMP sequence variant interpretation guidelines (Richards et al. 2015 PMID: 25741868, with internal and published modifications).

Literature cited by the submitters: PubMed 25985138 (cited by Mayo Clinic Laboratories, Mayo Clinic).

NM_000799.4(EPO):c.-152_-131del

Gene: EPO (erythropoietin; plus strand). Cytogenetic location: 7q22.1.
Variant type: Deletion.
Coding change: c.-152_-131del on transcript NM_000799.4 (MANE Select); 152 bases upstream of the start codon through 131 bases upstream of the start codon, 22 bases deleted (GCTCTGCTCCGACACCGCGCCC).
Molecular consequence: 5 prime UTR variant.
Genome position (GRCh38, 1-based): chr7:100,720,829-100,720,850, GCTCTGCTCCGACACCGCGCCC deleted; deleting any 22 consecutive bases within chr7:100,720,819-100,720,850 gives the same sequence; the c. name uses the placement nearest the transcript's 3' end. VCF-style (leftmost placement, unchanged base first): chr7-100720818-CCACCGCGCCCGCTCTGCTCCGA-C. GRCh37 (hg19) VCF-style: chr7-100318441-CCACCGCGCCCGCTCTGCTCCGA-C.
Other names: p.?.
Identifiers: ClinVar variation 3056168 (VCV003056168.4), dbSNP rs542975821, ClinGen allele CA163305681.